The following is an entry in ClinVar:

ClinVar aggregate classification (germline): Uncertain significance (1 of 4 stars; one submission).

Submission:

GeneDx
Classification: Uncertain significance. Last evaluated: 2023-01-05. Review status: criteria provided, single submitter. Criteria: GeneDx Variant Classification Process June 2021. Collection method: clinical testing. Allele origin: germline. Affected: yes.
Comment: Not observed at significant frequency in large population cohorts (gnomAD); In silico analysis supports that this missense variant has a deleterious effect on protein structure/function; Has not been previously published as pathogenic or benign to our knowledge

NM_001366145.2(TRPM3):c.913G>A (p.Ala305Thr)

Gene: TRPM3 (transient receptor potential cation channel subfamily M member 3; minus strand). Cytogenetic location: 9q21.12.
Variant type: single nucleotide variant.
Coding change: c.913G>A on transcript NM_001366145.2 (MANE Select); coding-DNA position 913, G replaced by A.
Protein change: p.Ala305Thr; replaces alanine 305 with threonine.
Molecular consequence: missense variant.
Genome position (GRCh38, 1-based): chr9:70,827,907, C>T on the plus strand (G>A on the coding strand, the complement: TRPM3 is on the minus strand). VCF-style: chr9-70827907-C-T. GRCh37 (hg19) VCF-style: chr9-73442823-C-T.
Other names: c.454G>A, p.Ala152Thr (NM_001007470.3, NM_001366154.2, NM_020952.6 and 6 more transcripts); c.913G>A, p.Ala305Thr (NM_001007471.4, NM_001366146.2, NM_001366147.2 and 6 more transcripts); c.919G>A, p.Ala307Thr (NM_001366141.2, NM_001366142.2, NM_001366143.2 and 1 more transcripts); short protein forms A152T, A305T, A307T.
Identifiers: ClinVar variation 2571858 (VCV002571858.1), dbSNP rs2539628753, ClinGen allele CA373563879.
Genomic context (GRCh38, chr9:70,827,907, plus strand): 5'-TTGTGTTTATCTTCTGGAGTGAAATATGCTTTTCCAGTTGTCTTCGAAGTTTCACCTCTG[C>T]TCCATATTTTCCAGTGGTCCCGTTGTCAGCCAGAATGAAGTGGGAATGCATGCTGTTGAG-3'
Protein context (NP_001353074.1, residues 295-315): ADNGTTGKYG[Ala305Thr]EVKLRRQLEK